The following is an entry in ClinVar:

NM_020738.4(KIDINS220):c.3560T>G (p.Leu1187Arg)

Gene: KIDINS220 (kinase D interacting substrate 220; minus strand). Cytogenetic location: 2p25.1.
Variant type: single nucleotide variant.
Coding change: c.3560T>G on transcript NM_020738.4 (MANE Select); coding-DNA position 3560, T replaced by G.
Protein change: p.Leu1187Arg; replaces leucine 1187 with arginine.
Molecular consequence: missense variant. On other transcripts: non-coding transcript variant (1), intron variant (11).
Genome position (GRCh38, 1-based): chr2:8,747,170, A>C on the plus strand (T>G on the coding strand, the complement: KIDINS220 is on the minus strand). VCF-style: chr2-8747170-A-C. GRCh37 (hg19) VCF-style: chr2-8887300-A-C.
Other names: c.3563T>G, p.Leu1188Arg (NM_001348729.2); c.3414+2942T>G (NM_001348741.2, NM_001348742.2, NM_001348743.2 and 1 more transcripts); c.3528+717T>G (NM_001348738.2, NM_001348732.2); c.3417+2942T>G (NM_001348739.2, NM_001348740.2, NM_001348734.2); c.3531+717T>G (NM_001348731.2); c.3288+2942T>G (NM_001348736.2); short protein forms L1187R, L1188R.
Identifiers: ClinVar variation 3356689 (VCV003356689.1).

ClinVar aggregate classification (germline): Uncertain significance (0 of 4 stars; one submission).

Conditions:
KIDINS220-related disorder. Also called: KIDINS220-related condition.

Submission:

PreventionGenetics, part of Exact Sciences
Classification: Uncertain significance for KIDINS220-related condition. Last evaluated: 2024-01-01. Review status: no assertion criteria provided. Collection method: clinical testing. Allele origin: germline.
Comment: The KIDINS220 c.3560T>G variant is predicted to result in the amino acid substitution p.Leu1187Arg. To our knowledge, this variant has not been reported in the literature. This variant is reported in 0.0018% of alleles in individuals of European (Non-Finnish) descent in gnomAD. At this time, the clinical significance of this variant is uncertain due to the absence of conclusive functional and genetic evidence.